The following is an entry in ClinVar:

ClinVar aggregate classification (germline): Pathogenic (1 of 4 stars; one submission).

gnomAD v4.1: 2 of 1,612,916 alleles (0.00012%); highest among the groups gnomAD compares: Non-Finnish European, 0.000085%; no homozygotes.

Submission:

Labcorp Genetics (formerly Invitae), Labcorp
Classification: Pathogenic. Last evaluated: 2023-04-16. Review status: criteria provided, single submitter. Criteria: Invitae Variant Classification Sherloc (09022015). Collection method: clinical testing. Allele origin: germline.
Comment: This sequence change creates a premature translational stop signal (p.Trp414*) in the TYRP1 gene. It is expected to result in an absent or disrupted protein product. Loss-of-function variants in TYRP1 are known to be pathogenic (PMID: 8651291, 9345097). This variant is not present in population databases (gnomAD no frequency). This variant has not been reported in the literature in individuals affected with TYRP1-related conditions. For these reasons, this variant has been classified as Pathogenic.

Literature cited by the submitters: PubMed 8651291; PubMed 9345097.

NM_000550.3(TYRP1):c.1242G>A (p.Trp414Ter)

Genes: LURAP1L-AS1 (LURAP1L antisense RNA 1; minus strand), TYRP1 (tyrosinase related protein 1; plus strand). Cytogenetic location: 9p23.
Variant type: single nucleotide variant.
Coding change: c.1242G>A on transcript NM_000550.3 (MANE Select); coding-DNA position 1242, G replaced by A.
Protein change: p.Trp414Ter; replaces tryptophan 414 with a stop codon.
Molecular consequence: nonsense.
Genome position (GRCh38, 1-based): chr9:12,704,686, G>A. VCF-style: chr9-12704686-G-A. GRCh37 (hg19) VCF-style: chr9-12704686-G-A.
Other names: short protein forms W414*.
Identifiers: ClinVar variation 2974703 (VCV002974703.3), dbSNP rs1230730741, ClinGen allele CA372943027.